The following is an entry in ClinVar:

NM_015909.4(NBAS):c.5314G>T (p.Ala1772Ser)

Gene: NBAS (NBAS subunit of NRZ tethering complex; minus strand). Cytogenetic location: 2p24.3.
Variant type: single nucleotide variant.
Coding change: c.5314G>T on transcript NM_015909.4 (MANE Select); coding-DNA position 5314, G replaced by T.
Protein change: p.Ala1772Ser; replaces alanine 1772 with serine.
Molecular consequence: missense variant. On other transcripts: non-coding transcript variant (1).
Genome position (GRCh38, 1-based): chr2:15,276,926, C>A on the plus strand (G>T on the coding strand, the complement: NBAS is on the minus strand). VCF-style: chr2-15276926-C-A. GRCh37 (hg19) VCF-style: chr2-15417050-C-A.
Other names: short protein forms A1772S.
Identifiers: ClinVar variation 1463308 (VCV001463308.3), dbSNP rs760561356, ClinGen allele CA1535330.

ClinVar aggregate classification (germline): Uncertain significance (1 of 4 stars; one submission).

Allele frequency attached by ClinVar (database versions not stated): gnomAD exomes 0.00001 and 0.00002; ExAC 0.00002.
gnomAD v4.1: 5 of 1,614,054 alleles (0.00031%); highest among the groups gnomAD compares: Admixed American, 0.0067%; no homozygotes.

Submission:

Labcorp Genetics (formerly Invitae), Labcorp
Classification: Uncertain significance. Last evaluated: 2022-05-04. Review status: criteria provided, single submitter. Criteria: Invitae Variant Classification Sherloc (09022015). Collection method: clinical testing. Allele origin: germline.
Comment: This sequence change replaces alanine, which is neutral and non-polar, with serine, which is neutral and polar, at codon 1772 of the NBAS protein (p.Ala1772Ser). This variant is present in population databases (rs760561356, gnomAD 0.01%). This variant has not been reported in the literature in individuals affected with NBAS-related conditions. Algorithms developed to predict the effect of missense changes on protein structure and function are either unavailable or do not agree on the potential impact of this missense change (SIFT: "Deleterious"; PolyPhen-2: "Benign"; Align-GVGD: "Class C65"). In summary, the available evidence is currently insufficient to determine the role of this variant in disease. Therefore, it has been classified as a Variant of Uncertain Significance.